The following is an entry in ClinVar:

ClinVar aggregate classification (germline): Benign/Likely benign. Review status: criteria provided, multiple submitters, no conflicts (2 of 4 stars). 8 submissions from 8 submitters: Benign (2); Likely benign (5). 1 of the submissions does not count toward it. Last evaluated 2026-08-01.

Conditions:
MAGI2-related disorder. Also called: MAGI2-related condition.

Allele frequency attached by ClinVar (database versions not stated): ESP Exome Variant Server 0.00131; ExAC 0.00204; gnomAD exomes 0.00228 and 0.00198; gnomAD 0.00153 and 0.00157; TOPMed 0.00174; 1000 Genomes Project 30x 0.00047; 1000 Genomes Project 0.00060.
gnomAD v4.1: 3,585 of 1,613,880 alleles (0.22%); highest among the groups gnomAD compares: Middle Eastern, 1.1%; 11 homozygotes.

Submissions (8):

CeGaT Center for Human Genetics Tuebingen
Classification: Likely benign. Last evaluated: 2026-08-01. Review status: criteria provided, single submitter. Criteria: CeGaT Center For Human Genetics Tuebingen Variant Classification Criteria Version 2. Collection method: clinical testing. Allele origin: germline. Affected: yes. Observed: 2 variant alleles.
Comment: MAGI2: BS2

Labcorp Genetics (formerly Invitae), Labcorp
Classification: Likely benign. Last evaluated: 2026-01-15. Review status: criteria provided, single submitter. Criteria: Invitae Variant Classification Sherloc (09022015). Collection method: clinical testing. Allele origin: germline.

Mayo Clinic Laboratories, Mayo Clinic
Classification: Benign. Last evaluated: 2025-05-16. Review status: criteria provided, single submitter. Criteria: ACMG Guidelines, 2015. Collection method: clinical testing. Allele origin: germline. Observed: 2 variant alleles.
Comment: BS1, BS2, BP1, BP4

Blueprint Genetics
Classification: Likely benign. Last evaluated: 2024-11-19. Review status: criteria provided, single submitter. Criteria: ACMG Guidelines, 2015. Collection method: clinical testing. Allele origin: germline.

Eurofins Ntd Llc (ga)
Classification: Likely benign. Last evaluated: 2015-08-21. Review status: criteria provided, single submitter. Criteria: EGL Classification Definitions 2015. Collection method: clinical testing. Allele origin: germline. Observed: 4 variant alleles, 4 heterozygotes.

Genetic Services Laboratory, University of Chicago
Classification: Benign for AllHighlyPenetrant. Last evaluated: 2013-08-01. Review status: criteria provided, single submitter. Criteria: ACMG Guidelines, 2007. Collection method: clinical testing. Allele origin: germline. Inheritance: Autosomal dominant inheritance.

Breakthrough Genomics
Classification: Likely benign. Review status: criteria provided, single submitter. Criteria: ACMG Guidelines, 2015. Collection method: not provided. Allele origin: germline. Inheritance: Autosomal recessive inheritance. Affected: yes.

PreventionGenetics, part of Exact Sciences
Classification: Likely benign for MAGI2-related condition. Last evaluated: 2021-04-29. Review status: no assertion criteria provided. Collection method: clinical testing. Allele origin: germline. Not counted in ClinVar's aggregate classification.
Comment: This variant is classified as likely benign based on ACMG/AMP sequence variant interpretation guidelines (Richards et al. 2015 PMID: 25741868, with internal and published modifications).

Literature cited by the submitters: PubMed 30986657 (cited by Mayo Clinic Laboratories, Mayo Clinic).

NM_012301.4(MAGI2):c.2213G>A (p.Arg738Gln)

Gene: MAGI2 (membrane associated guanylate kinase, WW and PDZ domain containing 2; minus strand). Cytogenetic location: 7q21.11.
Variant type: single nucleotide variant.
Coding change: c.2213G>A on transcript NM_012301.4 (MANE Select); coding-DNA position 2213, G replaced by A.
Protein change: p.Arg738Gln; replaces arginine 738 with glutamine.
Molecular consequence: missense variant.
Genome position (GRCh38, 1-based): chr7:78,194,930, C>T on the plus strand (G>A on the coding strand, the complement: MAGI2 is on the minus strand). VCF-style: chr7-78194930-C-T. GRCh37 (hg19) VCF-style: chr7-77824247-C-T.
Other names: p.Arg738Gln; c.2213G>A, p.Arg738Gln (NM_001301128.2); short protein forms R738Q.
Identifiers: ClinVar variation 129559 (VCV000129559.50), dbSNP rs145722885, ClinGen allele CA153630.